The following is an entry in ClinVar:

NM_005592.4(MUSK):c.1942G>A (p.Gly648Arg)

Gene: MUSK (muscle associated receptor tyrosine kinase; plus strand). Cytogenetic location: 9q31.3.
Variant type: single nucleotide variant.
Coding change: c.1942G>A on transcript NM_005592.4 (MANE Select); coding-DNA position 1942, G replaced by A.
Protein change: p.Gly648Arg; replaces glycine 648 with arginine.
Molecular consequence: missense variant.
Genome position (GRCh38, 1-based): chr9:110,800,320, G>A. VCF-style: chr9-110800320-G-A. GRCh37 (hg19) VCF-style: chr9-113562600-G-A.
Other names: c.1684G>A, p.Gly562Arg (NM_001166280.2); c.1654G>A, p.Gly552Arg (NM_001166281.2); c.682G>A, p.Gly228Arg (NM_001369398.1); short protein forms G648R, G552R, G228R, G562R.
Identifiers: ClinVar variation 476138 (VCV000476138.16), dbSNP rs201291910, ClinGen allele CA5184537.

ClinVar aggregate classification (germline): Uncertain significance. Review status: criteria provided, multiple submitters, no conflicts (2 of 4 stars). 4 submissions from 4 submitters: Uncertain significance (4). Last evaluated 2025-08-18.

Conditions:
Fetal akinesia deformation sequence 1 (FADS1). Also called: Pena-Shokeir syndrome type I; Fetal akinesia sequence. Identifiers: Orphanet 994, MedGen C1276035, MONDO:0100101, OMIM 208150, HP:0001989.
Congenital myasthenic syndrome 9. Also called: Myasthenic syndrome, congenital, 9, associated with acetylcholine receptor deficiency. Identifiers: Orphanet 590, MedGen C4225368, MONDO:0014587, OMIM 616325.
Inborn genetic diseases. Identifiers: MedGen C0950123, MeSH D030342.

Allele frequency attached by ClinVar (database versions not stated): gnomAD 0.00007 and 0.00008; ExAC 0.00009; TOPMed 0.00009; gnomAD exomes 0.00011; ESP Exome Variant Server 0.00024.
gnomAD v4.1: 301 of 1,608,868 alleles (0.019%); highest among the groups gnomAD compares: Non-Finnish European, 0.024%; no homozygotes.

Submissions (4):

Labcorp Genetics (formerly Invitae), Labcorp
Classification: Uncertain significance for Congenital myasthenic syndrome 9; Fetal akinesia deformation sequence 1. Last evaluated: 2025-08-18. Review status: criteria provided, single submitter. Criteria: Invitae Variant Classification Sherloc (09022015). Collection method: clinical testing. Allele origin: germline.
Comment: This sequence change replaces glycine, which is neutral and non-polar, with arginine, which is basic and polar, at codon 648 of the MUSK protein (p.Gly648Arg). This variant is present in population databases (rs201291910, gnomAD 0.02%). This variant has not been reported in the literature in individuals affected with MUSK-related conditions. ClinVar contains an entry for this variant (Variation ID: 476138). Invitae Evidence Modeling of protein sequence and biophysical properties (such as structural, functional, and spatial information, amino acid conservation, physicochemical variation, residue mobility, and thermodynamic stability) has been performed for this missense variant. However, the output from this modeling did not meet the statistical confidence thresholds required to predict the impact of this variant on MUSK protein function. In summary, the available evidence is currently insufficient to determine the role of this variant in disease. Therefore, it has been classified as a Variant of Uncertain Significance.

Ambry Genetics
Classification: Uncertain significance for Inborn genetic diseases. Last evaluated: 2023-06-01. Review status: criteria provided, single submitter. Criteria: Ambry Variant Classification Scheme 2023. Collection method: clinical testing. Allele origin: germline.

Revvity Omics, Revvity
Classification: Uncertain significance. Last evaluated: 2020-03-13. Review status: criteria provided, single submitter. Criteria: ACMG Guidelines, 2015. Collection method: clinical testing. Allele origin: germline.

Illumina Laboratory Services, Illumina
Classification: Uncertain significance for Congenital myasthenic syndrome 9. Last evaluated: 2018-01-12. Review status: criteria provided, single submitter. Criteria: ICSL Variant Classification Criteria 13 December 2019. Collection method: clinical testing. Allele origin: germline.